The following is an entry in ClinVar:

NM_004364.5(CEBPA):c.379C>G (p.Pro127Ala)

Gene: CEBPA (CCAAT enhancer binding protein alpha; minus strand). Cytogenetic location: 19q13.11.
Variant type: single nucleotide variant.
Coding change: c.379C>G on transcript NM_004364.5 (MANE Select); coding-DNA position 379, C replaced by G.
Protein change: p.Pro127Ala; replaces proline 127 with alanine.
Molecular consequence: missense variant.
Genome position (GRCh38, 1-based): chr19:33,302,036, G>C on the plus strand (C>G on the coding strand, the complement: CEBPA is on the minus strand). VCF-style: chr19-33302036-G-C. GRCh37 (hg19) VCF-style: chr19-33792942-G-C.
Other names: c.22C>G, p.Pro8Ala (NM_001285829.2); c.484C>G, p.Pro162Ala (NM_001287424.2); c.337C>G, p.Pro113Ala (NM_001287435.2); c.379C>G (NM_004364.3); short protein forms P113A, P162A, P127A, P8A.
Identifiers: ClinVar variation 854756 (VCV000854756.12), dbSNP rs1055210725, ClinGen allele CA307844333.
Genomic context (GRCh38, chr19:33,302,036, plus strand): 5'-ACAGGGGCTCCAGCCTGCCGTCCAGGTAGCCGGCGGCCGCGCAGCCGTAGCCGGGCGGGG[G>C]CCCGTGCGCTCCCCCGGGCATGACGGCGCCGCCGGGGCCCGCGGGCGCGCCCGGGTAGTC-3'
Protein context (NP_004355.2, residues 117-137): GAVMPGGAHG[Pro127Ala]PPGYGCAAAG

ClinVar aggregate classification (germline): Conflicting classifications of pathogenicity. Review status: criteria provided, conflicting classifications (1 of 4 stars). 2 submissions from 2 submitters: Uncertain significance (1); Likely benign (1). Last evaluated 2024-12-19.

Conditions:
Acute myeloid leukemia (AML). Also called: Acute myeloid leukemia, adult; AML adult; Acute non-lymphocytic leukemia; Acute granulocytic leukemia; Leukemia, acute myeloid, somatic; Leukemia, acute myelogenous, somatic. Identifiers: Orphanet 519, MedGen C0023467, MeSH D015470, MONDO:0018874, OMIM 601626, HP:0004808. Disease mechanism: Constitutively activated FLT3.
Inborn genetic diseases. Identifiers: MedGen C0950123, MeSH D030342.

Allele frequency attached by ClinVar (database versions not stated): gnomAD 0.00001; TOPMed 0.00001.

Submissions (2):

Ambry Genetics
Classification: Likely benign for Inborn genetic diseases. Last evaluated: 2024-12-19. Review status: criteria provided, single submitter. Criteria: Ambry Variant Classification Scheme 2023. Collection method: clinical testing. Allele origin: germline.

Labcorp Genetics (formerly Invitae), Labcorp
Classification: Uncertain significance for Acute myeloid leukemia. Last evaluated: 2024-11-04. Review status: criteria provided, single submitter. Criteria: Invitae Variant Classification Sherloc (09022015). Collection method: clinical testing. Allele origin: germline.
Comment: This sequence change replaces proline, which is neutral and non-polar, with alanine, which is neutral and non-polar, at codon 127 of the CEBPA protein (p.Pro127Ala). The frequency data for this variant in the population databases is considered unreliable, as metrics indicate poor data quality at this position in the gnomAD database. This variant has not been reported in the literature in individuals affected with CEBPA-related conditions. ClinVar contains an entry for this variant (Variation ID: 854756). Invitae Evidence Modeling of protein sequence and biophysical properties (such as structural, functional, and spatial information, amino acid conservation, physicochemical variation, residue mobility, and thermodynamic stability) indicates that this missense variant is not expected to disrupt CEBPA protein function with a negative predictive value of 80%. In summary, the available evidence is currently insufficient to determine the role of this variant in disease. Therefore, it has been classified as a Variant of Uncertain Significance.